The following is an entry in ClinVar:

ClinVar aggregate classification (germline): Uncertain significance (1 of 4 stars; one submission).

gnomAD v4.1: 3 of 1,594,432 alleles (0.00019%); highest among the groups gnomAD compares: Admixed American, 0.0017%; no homozygotes.

Submission:

GeneDx
Classification: Uncertain significance. Last evaluated: 2024-03-01. Review status: criteria provided, single submitter. Criteria: GeneDx Variant Classification Process June 2021. Collection method: clinical testing. Allele origin: germline. Affected: yes.
Comment: Not observed at significant frequency in large population cohorts (gnomAD); In silico analysis supports that this missense variant does not alter protein structure/function; Has not been previously published as pathogenic or benign to our knowledge

NM_170606.3(KMT2C):c.844A>G (p.Thr282Ala)

Gene: KMT2C (lysine methyltransferase 2C; minus strand). Cytogenetic location: 7q36.1.
Variant type: single nucleotide variant.
Coding change: c.844A>G on transcript NM_170606.3 (MANE Select); coding-DNA position 844, A replaced by G.
Protein change: p.Thr282Ala; replaces threonine 282 with alanine.
Molecular consequence: missense variant.
Genome position (GRCh38, 1-based): chr7:152,309,971, T>C on the plus strand (A>G on the coding strand, the complement: KMT2C is on the minus strand). VCF-style: chr7-152309971-T-C. GRCh37 (hg19) VCF-style: chr7-152007056-T-C.
Other names: short protein forms T282A.
Identifiers: ClinVar variation 3369880 (VCV003369880.1).